The following is an entry in ClinVar:

ClinVar aggregate classification (germline): Uncertain significance. Review status: criteria provided, multiple submitters, no conflicts (2 of 4 stars). 4 submissions from 4 submitters: Uncertain significance (3). 1 of the submissions does not count toward it. Last evaluated 2025-05-05.

Conditions:
Usher syndrome type 2A. Also called: RETINAL DISEASE IN USHER SYNDROME TYPE IIA, MODIFIER OF; USHER SYNDROME, TYPE IIA. Identifiers: Orphanet 231178, Orphanet 886, MedGen C1848634, MONDO:0010169, OMIM 276901.
Inborn genetic diseases. Identifiers: MedGen C0950123, MeSH D030342.

Allele frequency attached by ClinVar (database versions not stated): gnomAD exomes below 0.00001 and 0.00001; TOPMed 0.00001.
gnomAD v4.1: 14 of 1,614,018 alleles (0.00087%); highest among the groups gnomAD compares: Non-Finnish European, 0.0011%; no homozygotes.

Submissions (4):

Ambry Genetics
Classification: Uncertain significance for Inborn genetic diseases. Last evaluated: 2025-05-05. Review status: criteria provided, single submitter. Criteria: Ambry Variant Classification Scheme 2023. Collection method: clinical testing. Allele origin: germline.

Labcorp Genetics (formerly Invitae), Labcorp
Classification: Uncertain significance. Last evaluated: 2025-05-04. Review status: criteria provided, single submitter. Criteria: Invitae Variant Classification Sherloc (09022015). Collection method: clinical testing. Allele origin: germline.
Comment: This sequence change replaces valine, which is neutral and non-polar, with methionine, which is neutral and non-polar, at codon 668 of the USH2A protein (p.Val668Met). This variant is present in population databases (no rsID available, gnomAD 0.003%). This variant has not been reported in the literature in individuals affected with USH2A-related conditions. ClinVar contains an entry for this variant (Variation ID: 968718). Invitae Evidence Modeling of protein sequence and biophysical properties (such as structural, functional, and spatial information, amino acid conservation, physicochemical variation, residue mobility, and thermodynamic stability) has been performed for this missense variant. However, the output from this modeling did not meet the statistical confidence thresholds required to predict the impact of this variant on USH2A protein function. In summary, the available evidence is currently insufficient to determine the role of this variant in disease. Therefore, it has been classified as a Variant of Uncertain Significance.

Blueprint Genetics
Classification: Uncertain significance. Last evaluated: 2018-12-31. Review status: criteria provided, single submitter. Criteria: ACMG Guidelines, 2015. Collection method: clinical testing. Allele origin: germline.

Natera, Inc.
Classification: Uncertain significance for Usher syndrome type 2A. Last evaluated: 2020-04-09. Review status: no assertion criteria provided. Collection method: clinical testing. Allele origin: germline. Not counted in ClinVar's aggregate classification.

NM_206933.4(USH2A):c.2002G>A (p.Val668Met)

Gene: USH2A (usherin; minus strand). Cytogenetic location: 1q41.
Variant type: single nucleotide variant.
Coding change: c.2002G>A on transcript NM_206933.4 (MANE Select); coding-DNA position 2002, G replaced by A.
Protein change: p.Val668Met; replaces valine 668 with methionine.
Molecular consequence: missense variant.
Genome position (GRCh38, 1-based): chr1:216,251,068, C>T on the plus strand (G>A on the coding strand, the complement: USH2A is on the minus strand). VCF-style: chr1-216251068-C-T. GRCh37 (hg19) VCF-style: chr1-216424410-C-T.
Other names: c.2002G>A, p.Val668Met (NM_007123.6); short protein forms V668M.
Identifiers: ClinVar variation 968718 (VCV000968718.8), dbSNP rs1404273822, ClinGen allele CA344866740.